The following is an entry in ClinVar:

NM_015272.5(RPGRIP1L):c.1085A>G (p.Tyr362Cys)

Gene: RPGRIP1L (RPGRIP1 like; minus strand). Cytogenetic location: 16q12.2.
Variant type: single nucleotide variant.
Coding change: c.1085A>G on transcript NM_015272.5 (MANE Select); coding-DNA position 1085, A replaced by G.
Protein change: p.Tyr362Cys; replaces tyrosine 362 with cysteine.
Molecular consequence: missense variant.
Genome position (GRCh38, 1-based): chr16:53,671,528, T>C on the plus strand (A>G on the coding strand, the complement: RPGRIP1L is on the minus strand). VCF-style: chr16-53671528-T-C. GRCh37 (hg19) VCF-style: chr16-53705440-T-C.
Other names: c.1085A>G, p.Tyr362Cys (NM_001127897.4, NM_001308334.3, NM_001330538.2); c.1085A>G (NM_015272.4); short protein forms Y362C.
Identifiers: ClinVar variation 319664 (VCV000319664.21), dbSNP rs144023021, ClinGen allele CA8057930.

ClinVar aggregate classification (germline): Conflicting classifications of pathogenicity. Review status: criteria provided, conflicting classifications (1 of 4 stars). 10 submissions from 8 submitters: Uncertain significance (6); Benign (1); Likely benign (2). 1 of the submissions does not count toward it. Last evaluated 2026-06-26.

Conditions:
RPGRIP1L-related disorder. Also called: RPGRIP1L-related disorders; RPGRIP1L-related condition. Identifiers: MedGen CN239416.
Inborn genetic diseases. Identifiers: MedGen C0950123, MeSH D030342.
Joubert syndrome 7 (JBTS7). Identifiers: Orphanet 220497, MedGen C1969053, MONDO:0012694, OMIM 611560.
Joubert syndrome. Also called: Familial aplasia of the vermis; JOUBERT-BOLTSHAUSER SYNDROME. Identifiers: Orphanet 475, MedGen C5979921, MONDO:0018772.
Meckel-Gruber syndrome. Also called: DYSENCEPHALIA SPLANCHNOCYSTICA; GRUBER SYNDROME; Dysencephalia splachnocystica. Identifiers: Orphanet 564, MedGen C0265215, MONDO:0018921.
Meckel syndrome, type 5 (MKS5). Identifiers: Orphanet 564, MedGen C1969052, MONDO:0012695, OMIM 611561.
COACH syndrome 3. Identifiers: MedGen C5436841, MONDO:0030862, OMIM 619113.
Nephronophthisis 8. Identifiers: MedGen CN119610.

Allele frequency attached by ClinVar (database versions not stated): gnomAD exomes 0.00004 and 0.00010; ExAC 0.00008; 1000 Genomes Project 0.00020; 1000 Genomes Project 30x 0.00031; gnomAD 0.00036 and 0.00042; ESP Exome Variant Server 0.00039; TOPMed 0.00050.
gnomAD v4.1: 120 of 1,579,246 alleles (0.0076%); highest among the groups gnomAD compares: African/African-American, 0.13%; no homozygotes.

Submissions (10):

PreventionGenetics, part of Exact Sciences
Classification: Uncertain significance for RPGRIP1L-related condition. Last evaluated: 2026-06-26. Review status: criteria provided, single submitter. Criteria: ACMG Guidelines, 2015. Collection method: clinical testing. Allele origin: germline.
Comment: The RPGRIP1L c.1085A>G variant is predicted to result in the amino acid substitution p.Tyr362Cys. To our knowledge, this variant has not been reported in the literature. This variant is reported in 0.13% of alleles in individuals of African descent in gnomAD. Although we suspect that this variant may be benign, at this time, the clinical significance of this variant is uncertain due to the absence of conclusive functional and genetic evidence.

Labcorp Genetics (formerly Invitae), Labcorp
Classification: Likely benign for Joubert syndrome; Meckel-Gruber syndrome. Last evaluated: 2025-11-18. Review status: criteria provided, single submitter. Criteria: Invitae Variant Classification Sherloc (09022015). Collection method: clinical testing. Allele origin: germline.

GeneDx
Classification: Uncertain significance. Last evaluated: 2024-09-11. Review status: criteria provided, single submitter. Criteria: GeneDx Variant Classification Process June 2021. Collection method: clinical testing. Allele origin: germline. Affected: yes.
Comment: In silico analysis supports that this missense variant has a deleterious effect on protein structure/function; Has not been previously published as pathogenic or benign to our knowledge

Blueprint Genetics
Classification: Benign. Last evaluated: 2023-08-14. Review status: criteria provided, single submitter. Criteria: ACMG Guidelines, 2015. Collection method: clinical testing. Allele origin: germline.

Ambry Genetics
Classification: Likely benign for Inborn genetic diseases. Last evaluated: 2023-01-20. Review status: criteria provided, single submitter. Criteria: Ambry Variant Classification Scheme 2023. Collection method: clinical testing. Allele origin: germline.

Fulgent Genetics
Classification: Uncertain significance for Joubert syndrome 7; Meckel syndrome, type 5; COACH syndrome 3. Last evaluated: 2022-01-04. Review status: criteria provided, single submitter. Criteria: ACMG Guidelines, 2015. Collection method: clinical testing. Allele origin: unknown.

Illumina Laboratory Services, Illumina
Classification: Uncertain significance for Nephronophthisis 8. Last evaluated: 2018-01-13. Review status: criteria provided, single submitter. Criteria: ICSL Variant Classification Criteria 13 December 2019. Collection method: clinical testing. Allele origin: germline.

Illumina Laboratory Services, Illumina
Classification: Uncertain significance for Meckel syndrome, type 5. Last evaluated: 2018-01-13. Review status: criteria provided, single submitter. Criteria: ICSL Variant Classification Criteria 13 December 2019. Collection method: clinical testing. Allele origin: germline.

Illumina Laboratory Services, Illumina
Classification: Uncertain significance for Joubert syndrome 7. Last evaluated: 2018-01-13. Review status: criteria provided, single submitter. Criteria: ICSL Variant Classification Criteria 13 December 2019. Collection method: clinical testing. Allele origin: germline.

Natera, Inc.
Classification: Uncertain significance for Joubert syndrome. Last evaluated: 2020-01-30. Review status: no assertion criteria provided. Collection method: clinical testing. Allele origin: germline. Not counted in ClinVar's aggregate classification.